The following is an entry in ClinVar:

NM_002546.4(TNFRSF11B):c.1026G>C (p.Leu342Phe)

Gene: TNFRSF11B (TNF receptor superfamily member 11b; minus strand). Cytogenetic location: 8q24.12.
Variant type: single nucleotide variant.
Coding change: c.1026G>C on transcript NM_002546.4 (MANE Select); coding-DNA position 1026, G replaced by C.
Protein change: p.Leu342Phe; replaces leucine 342 with phenylalanine.
Molecular consequence: missense variant.
Genome position (GRCh38, 1-based): chr8:118,924,554, C>G on the plus strand (G>C on the coding strand, the complement: TNFRSF11B is on the minus strand). VCF-style: chr8-118924554-C-G. GRCh37 (hg19) VCF-style: chr8-119936793-C-G.
Other names: short protein forms L342F.
Identifiers: ClinVar variation 1380343 (VCV001380343.9), dbSNP rs754991346, ClinGen allele CA4854784.
Genomic context (GRCh38, chr8:118,924,554, plus strand): 5'-AGTGACAGTTTTGGGAAAGTGGTACGTCTTTGAGTGCTTTAGTGCGTGCATTAGGCCCTT[C>G]AAGGTGTCTTGGTCGCCATTTTTTATTCGCCACAAACTGAGCAGCTTCAGGATCTGGTCA-3'
Protein context (NP_002537.3, residues 332-352): WRIKNGDQDT[Leu342Phe]KGLMHALKHS

ClinVar aggregate classification (germline): Uncertain significance. Review status: criteria provided, multiple submitters, no conflicts (2 of 4 stars). 2 submissions from 2 submitters: Uncertain significance (2). Last evaluated 2025-03-10.

Conditions:
Hyperphosphatasemia with bone disease (PDB5). Also called: Osteoectasia familial; Paget disease of bone 5; PAGET DISEASE OF BONE 5, JUVENILE-ONSET; HYPEROSTOSIS CORTICALIS DEFORMANS JUVENILIS; HYPERPHOSPHATASEMIA, CHRONIC CONGENITAL IDIOPATHIC; HYPERPHOSPHATASIA, FAMILIAL IDIOPATHIC. Identifiers: Orphanet 2801, MedGen C0268414, MONDO:0009394, OMIM 239000.

Allele frequency attached by ClinVar (database versions not stated): gnomAD 0.00001; ExAC 0.00002; gnomAD exomes 0.00002 and 0.00003; TOPMed 0.00005.
gnomAD v4.1: 45 of 1,614,180 alleles (0.0028%); highest among the groups gnomAD compares: Non-Finnish European, 0.0037%; no homozygotes.

Submissions (2):

Labcorp Genetics (formerly Invitae), Labcorp
Classification: Uncertain significance. Last evaluated: 2025-03-10. Review status: criteria provided, single submitter. Criteria: Invitae Variant Classification Sherloc (09022015). Collection method: clinical testing. Allele origin: germline.
Comment: This sequence change replaces leucine, which is neutral and non-polar, with phenylalanine, which is neutral and non-polar, at codon 342 of the TNFRSF11B protein (p.Leu342Phe). This variant is present in population databases (rs754991346, gnomAD 0.004%). This variant has not been reported in the literature in individuals affected with TNFRSF11B-related conditions. ClinVar contains an entry for this variant (Variation ID: 1380343). Invitae Evidence Modeling of protein sequence and biophysical properties (such as structural, functional, and spatial information, amino acid conservation, physicochemical variation, residue mobility, and thermodynamic stability) indicates that this missense variant is not expected to disrupt TNFRSF11B protein function with a negative predictive value of 80%. In summary, the available evidence is currently insufficient to determine the role of this variant in disease. Therefore, it has been classified as a Variant of Uncertain Significance.

Fulgent Genetics
Classification: Uncertain significance for Hyperphosphatasemia with bone disease. Last evaluated: 2024-04-18. Review status: criteria provided, single submitter. Criteria: ACMG Guidelines, 2015. Collection method: clinical testing. Allele origin: germline.